The following is an entry in ClinVar:

ClinVar aggregate classification (germline): Uncertain significance. Review status: criteria provided, multiple submitters, no conflicts (2 of 4 stars). 2 submissions from 2 submitters: Uncertain significance (2). Last evaluated 2025-06-27.

Submissions (2):

Labcorp Genetics (formerly Invitae), Labcorp
Classification: Uncertain significance. Last evaluated: 2025-06-27. Review status: criteria provided, single submitter. Criteria: Invitae Variant Classification Sherloc (09022015). Collection method: clinical testing. Allele origin: germline.
Comment: This sequence change replaces histidine, which is basic and polar, with tyrosine, which is neutral and polar, at codon 529 of the AUTS2 protein (p.His529Tyr). This variant is not present in population databases (gnomAD no frequency). This variant has not been reported in the literature in individuals affected with AUTS2-related conditions. ClinVar contains an entry for this variant (Variation ID: 3343484). Invitae Evidence Modeling of protein sequence and biophysical properties (such as structural, functional, and spatial information, amino acid conservation, physicochemical variation, residue mobility, and thermodynamic stability) indicates that this missense variant is expected to disrupt AUTS2 protein function with a positive predictive value of 80%. In summary, the available evidence is currently insufficient to determine the role of this variant in disease. Therefore, it has been classified as a Variant of Uncertain Significance.

GeneDx
Classification: Uncertain significance. Last evaluated: 2023-05-11. Review status: criteria provided, single submitter. Criteria: GeneDx Variant Classification Process June 2021. Collection method: clinical testing. Allele origin: germline. Affected: yes.
Comment: Not observed at significant frequency in large population cohorts (gnomAD); In silico analysis supports that this missense variant has a deleterious effect on protein structure/function; Has not been previously published as pathogenic or benign to our knowledge

NM_015570.4(AUTS2):c.1585C>T (p.His529Tyr)

Gene: AUTS2 (activator of transcription and developmental regulator AUTS2; plus strand). Cytogenetic location: 7q11.22.
Variant type: single nucleotide variant.
Coding change: c.1585C>T on transcript NM_015570.4 (MANE Select); coding-DNA position 1585, C replaced by T.
Protein change: p.His529Tyr; replaces histidine 529 with tyrosine.
Molecular consequence: missense variant.
Genome position (GRCh38, 1-based): chr7:70,766,230, C>T. VCF-style: chr7-70766230-C-T. GRCh37 (hg19) VCF-style: chr7-70231216-C-T.
Other names: c.1585C>T, p.His529Tyr (NM_001127231.3); short protein forms H529Y.
Identifiers: ClinVar variation 3343484 (VCV003343484.2).